The following is an entry in ClinVar:

ClinVar aggregate classification (germline): Uncertain significance (1 of 4 stars; one submission).

gnomAD v4.1: 40 of 1,611,610 alleles (0.0025%); highest among the groups gnomAD compares: South Asian, 0.022%; 2 homozygotes.

Submission:

Labcorp Genetics (formerly Invitae), Labcorp
Classification: Uncertain significance. Last evaluated: 2025-10-08. Review status: criteria provided, single submitter. Criteria: Invitae Variant Classification Sherloc (09022015). Collection method: clinical testing. Allele origin: germline.
Comment: This sequence change replaces serine, which is neutral and polar, with leucine, which is neutral and non-polar, at codon 451 of the KRT16 protein (p.Ser451Leu). This variant is present in population databases (rs755717002, gnomAD 0.02%). This variant has not been reported in the literature in individuals affected with KRT16-related conditions. Invitae Evidence Modeling of protein sequence and biophysical properties (such as structural, functional, and spatial information, amino acid conservation, physicochemical variation, residue mobility, and thermodynamic stability) indicates that this missense variant is not expected to disrupt KRT16 protein function with a negative predictive value of 95%. In summary, the available evidence is currently insufficient to determine the role of this variant in disease. Therefore, it has been classified as a Variant of Uncertain Significance.

NM_005557.4(KRT16):c.1352C>T (p.Ser451Leu)

Gene: KRT16 (keratin 16; minus strand). Cytogenetic location: 17q21.2.
Variant type: single nucleotide variant.
Coding change: c.1352C>T on transcript NM_005557.4 (MANE Select); coding-DNA position 1352, C replaced by T.
Protein change: p.Ser451Leu; replaces serine 451 with leucine.
Molecular consequence: missense variant.
Genome position (GRCh38, 1-based): chr17:41,610,005, G>A on the plus strand (C>T on the coding strand, the complement: KRT16 is on the minus strand). VCF-style: chr17-41610005-G-A. GRCh37 (hg19) VCF-style: chr17-39766257-G-A.
Other names: short protein forms S451L.
Identifiers: ClinVar variation 4750572 (VCV004750572.1).
Genomic context (GRCh38, chr17:41,610,005, plus strand): 5'-TGGCCCTGGCTGAAGCTGGATGAGCTCTGCTCCTTGAGGATGGGCCGGGTCTGACGGCTC[G>A]AAGAGGACGAGGAGGAGGTGAAGACTGTGGGAGAGAGAAGAGGAGGTGAGAAGGGGTCTG-3'
Protein context (NP_005548.2, residues 441-461): REVFTSSSSS[Ser451Leu]SRQTRPILKE